The following is an entry in ClinVar:

ClinVar aggregate classification (germline): Conflicting classifications of pathogenicity. Review status: criteria provided, conflicting classifications (1 of 4 stars). 17 submissions from 17 submitters: Uncertain significance (1); Benign (3); Likely benign (9). 4 of the submissions do not count toward it. Last evaluated 2026-08-01.

Conditions:
TTR-related disorder. Also called: TTR-related disorders; TTR-related condition.
Cardiovascular phenotype. Identifiers: MedGen CN230736.
Charcot-Marie-Tooth disease. Also called: Charcot-Marie-Tooth Hereditary Neuropathy; Charcot-Marie-Tooth Neuropathy. Identifiers: Orphanet 166, MedGen C0007959, MONDO:0015626.
Cardiomyopathy (CMYO). Also called: Cardiomyopathies. Identifiers: Orphanet 167848, MedGen C0878544, MONDO:0004994, HP:0001638. Inheritance: Various modes of inheritance.
Amyloidosis, hereditary systemic 1 (AMYLD1). Also called: Hereditary Transthyretin Amyloidosis; Isolated Cardiac Amyloidosis; Amyloid Cardiomyopathy, Transthyretin-related; Transthyretin Amyloidosis; AMYLOID CARDIOMYOPATHY; Familial amyloid polyneuropathy. Identifiers: Orphanet 85447, Orphanet 85451, MedGen C2751492, MONDO:0971004, OMIM 105210.

Allele frequency attached by ClinVar (database versions not stated): ExAC 0.00007; gnomAD exomes 0.00009 and 0.00014; gnomAD 0.00013 and 0.00015; TOPMed 0.00018; ESP Exome Variant Server 0.00031.
gnomAD v4.1: 216 of 1,614,108 alleles (0.013%); highest among the groups gnomAD compares: Non-Finnish European, 0.017%; no homozygotes.

Submissions (17):

CeGaT Center for Human Genetics Tuebingen
Classification: Likely benign. Last evaluated: 2026-08-01. Review status: criteria provided, single submitter. Criteria: CeGaT Center For Human Genetics Tuebingen Variant Classification Criteria Version 2. Collection method: clinical testing. Allele origin: germline. Affected: yes. Observed: 2 variant alleles.
Comment: TTR: BP4, BP7

Labcorp Genetics (formerly Invitae), Labcorp
Classification: Likely benign for Amyloidosis, hereditary systemic 1. Last evaluated: 2026-01-19. Review status: criteria provided, single submitter. Criteria: Invitae Variant Classification Sherloc (09022015). Collection method: clinical testing. Allele origin: germline.

Athena Diagnostics
Classification: Benign. Last evaluated: 2025-11-10. Review status: criteria provided, single submitter. Criteria: Athena Diagnostics Criteria. Collection method: clinical testing. Allele origin: unknown.
Comment: The frequency of this variant in the general population is higher than would generally be expected for pathogenic variants in this gene. Computational tools yielded predictions that this variant is unlikely to have an effect on normal RNA splicing. This nucleotide position exhibits low evolutionary conservation.

Mayo Clinic Laboratories, Mayo Clinic
Classification: Likely benign. Last evaluated: 2025-08-18. Review status: criteria provided, single submitter. Criteria: ACMG Guidelines, 2015. Collection method: clinical testing. Allele origin: germline. Observed: 2 variant alleles.
Comment: BP4, BP7

Blueprint Genetics
Classification: Likely benign. Last evaluated: 2024-08-27. Review status: criteria provided, single submitter. Criteria: ACMG Guidelines, 2015. Collection method: clinical testing. Allele origin: germline.

Women's Health and Genetics/Laboratory Corporation of America, LabCorp
Classification: Benign. Last evaluated: 2024-03-03. Review status: criteria provided, single submitter. Criteria: LabCorp Variant Classification Summary - May 2015. Collection method: clinical testing. Allele origin: germline.

CHEO Genetics Diagnostic Laboratory, Children's Hospital of Eastern Ontario
Classification: Likely benign for Cardiomyopathy. Last evaluated: 2020-03-20. Review status: criteria provided, single submitter. Criteria: ACMG Guidelines, 2015. Collection method: clinical testing. Allele origin: germline.

Laboratory for Molecular Medicine, Mass General Brigham Personalized Medicine
Classification: Likely benign. Last evaluated: 2018-10-10. Review status: criteria provided, single submitter. Criteria: LMM Criteria. Collection method: clinical testing. Allele origin: germline. Observed: 1 variant allele.
Comment: The p.Ala128Ala variant in TTR is classified as likely benign because it does no t alter an amino acid residue, it is not located within the splice consensus seq uence, and splice prediction algorithms do not predict a newly created splice si te. It has also been identified in 0.01% (24/126672) of European chromosomes by gnomAD. ACMG/AMP Criteria applied: BP4, BP7, BS1_Supporting.

Illumina Laboratory Services, Illumina
Classification: Likely benign for Amyloidosis, hereditary systemic 1. Last evaluated: 2018-01-13. Review status: criteria provided, single submitter. Criteria: ICSL Variant Classification Criteria 13 December 2019. Collection method: clinical testing. Allele origin: germline.
Comment: This variant was observed in the ICSL laboratory as part of a predisposition screen in an ostensibly healthy population. It had not been previously curated by ICSL or reported in the Human Gene Mutation Database (HGMD: prior to June 1st, 2018), and was therefore a candidate for classification through an automated scoring system. Utilizing variant allele frequency, disease prevalence and penetrance estimates, and inheritance mode, an automated score was calculated to assess if this variant is too frequent to cause the disease. Based on the score and internal cut-off values, a variant classified as likely benign is not then subjected to further curation. The score for this variant resulted in a classification of likely benign for this disease.

GeneDx
Classification: Benign. Last evaluated: 2016-02-18. Review status: criteria provided, single submitter. Criteria: GeneDx Variant Classification (06012015). Collection method: clinical testing. Allele origin: germline. Affected: yes.
Comment: This variant is considered likely benign or benign based on one or more of the following criteria: it is a conservative change, it occurs at a poorly conserved position in the protein, it is predicted to be benign by multiple in silico algorithms, and/or has population frequency not consistent with disease.

Eurofins Ntd Llc (ga)
Classification: Uncertain significance. Last evaluated: 2015-05-15. Review status: criteria provided, single submitter. Criteria: EGL Classification Definitions 2015. Collection method: clinical testing. Allele origin: germline. Observed: 1 variant allele, 1 heterozygote.

Ambry Genetics
Classification: Likely benign for Cardiovascular phenotype. Last evaluated: 2014-12-08. Review status: criteria provided, single submitter. Criteria: Ambry Variant Classification Scheme 2023. Collection method: clinical testing. Allele origin: germline.

Molecular Genetics Laboratory, London Health Sciences Centre
Classification: Likely benign for Charcot-Marie-Tooth disease. Review status: criteria provided, single submitter. Criteria: ACMG Guidelines, 2015. Collection method: clinical testing. Allele origin: germline. Affected: yes.

PreventionGenetics, part of Exact Sciences
Classification: Likely benign for TTR-related condition. Last evaluated: 2024-05-10. Review status: no assertion criteria provided. Collection method: clinical testing. Allele origin: germline. Not counted in ClinVar's aggregate classification.
Comment: This variant is classified as likely benign based on ACMG/AMP sequence variant interpretation guidelines (Richards et al. 2015 PMID: 25741868, with internal and published modifications).

Clinical Genetics DNA and cytogenetics Diagnostics Lab, Erasmus MC, Erasmus Medical Center
Classification: Likely benign. Review status: no assertion criteria provided. Collection method: clinical testing. Allele origin: germline. Affected: yes. Study: VKGL Data-share Consensus. Not counted in ClinVar's aggregate classification.

Clinical Genetics, Academic Medical Center
Classification: Benign. Review status: no assertion criteria provided. Collection method: clinical testing. Allele origin: germline. Affected: yes. Study: VKGL Data-share Consensus. Not counted in ClinVar's aggregate classification.

Genome Diagnostics Laboratory, University Medical Center Utrecht
Classification: Likely benign. Review status: no assertion criteria provided. Collection method: clinical testing. Allele origin: germline. Affected: yes. Study: VKGL Data-share Consensus. Not counted in ClinVar's aggregate classification.

Literature cited by the submitters: PubMed 14640030 (cited by Athena Diagnostics and Laboratory for Molecular Medicine, Mass General Brigham Personalized Medicine); PubMed 22449240 (cited by Athena Diagnostics).

NM_000371.4(TTR):c.384C>T (p.Ala128=)

Gene: TTR (transthyretin; plus strand). Cytogenetic location: 18q12.1.
Variant type: single nucleotide variant.
Coding change: c.384C>T on transcript NM_000371.4 (MANE Select); coding-DNA position 384, C replaced by T.
Protein change: p.Ala128=; no amino-acid change (alanine 128 retained).
Molecular consequence: synonymous variant.
Genome position (GRCh38, 1-based): chr18:31,598,615, C>T. VCF-style: chr18-31598615-C-T. GRCh37 (hg19) VCF-style: chr18-29178578-C-T.
Other names: p.Ala128=.
Identifiers: ClinVar variation 197136 (VCV000197136.42), dbSNP rs143906738, ClinGen allele CA245099.